The following is an entry in ClinVar:

ClinVar aggregate classification (germline): Benign (1 of 4 stars; one submission).

Conditions:
Leigh syndrome (NULS). Also called: Leigh's necrotizing encephalopathy; Leigh's disease; Leigh Syndrome (mtDNA deletion); Leigh Disease; Subacute necrotizing encephalopathy; Necrotizing encephalopathy infantile subacute of Leigh. Identifiers: Orphanet 506, MedGen C2931891, MONDO:0009723, OMIM 256000.

Submission:

Wong Mito Lab, Molecular and Human Genetics, Baylor College of Medicine
Classification: Benign for Leigh syndrome. Last evaluated: 2019-10-17. Review status: criteria provided, single submitter. Criteria: Modified ACMG Guidelines (Unpublished). Collection method: clinical testing. Allele origin: germline.
Comment: The NC_012920.1:m.9127A>G (YP_003024031.1:p.Ile201Val) variant in MTATP6 gene is interpretated to be a Benign variant based on the modified ACMG guidelines (unpublished). This variant meets the following evidence codes: BS1, BS2, BP4

NC_012920.1(MT-ATP6):m.9127A>G

Gene: MT-ATP6 (mitochondrially encoded ATP synthase 6; plus strand).
Variant type: single nucleotide variant.
Genome position: chrM-9127-A-G.
Identifiers: ClinVar variation 693101 (VCV000693101.1), dbSNP rs199732761, ClinGen allele CA414802263.